The following is an entry in ClinVar:

ClinVar aggregate classification (germline): Uncertain significance. Review status: criteria provided, multiple submitters, no conflicts (2 of 4 stars). 2 submissions from 2 submitters: Uncertain significance (2). Last evaluated 2025-11-23.

Allele frequency attached by ClinVar (database versions not stated): gnomAD exomes below 0.00001.

Submissions (2):

Labcorp Genetics (formerly Invitae), Labcorp
Classification: Uncertain significance. Last evaluated: 2025-11-23. Review status: criteria provided, single submitter. Criteria: Invitae Variant Classification Sherloc (09022015). Collection method: clinical testing. Allele origin: germline.
Comment: This sequence change replaces proline, which is neutral and non-polar, with serine, which is neutral and polar, at codon 127 of the TERF2IP protein (p.Pro127Ser). This variant is not present in population databases (gnomAD no frequency). This variant has not been reported in the literature in individuals affected with TERF2IP-related conditions. ClinVar contains an entry for this variant (Variation ID: 1735016). An algorithm developed to predict the effect of missense changes on protein structure and function (PolyPhen-2) suggests that this variant is likely to be tolerated. In summary, the available evidence is currently insufficient to determine the role of this variant in disease. Therefore, it has been classified as a Variant of Uncertain Significance.

Ambry Genetics
Classification: Uncertain significance. Last evaluated: 2024-05-18. Review status: criteria provided, single submitter. Criteria: Ambry Variant Classification Scheme 2023. Collection method: clinical testing. Allele origin: germline.
Comment: The p.P127S variant (also known as c.379C>T), located in coding exon 1 of the TERF2IP gene, results from a C to T substitution at nucleotide position 379. The proline at codon 127 is replaced by serine, an amino acid with similar properties. This amino acid position is conserved. In addition, this alteration is predicted to be tolerated by in silico analysis. Since supporting evidence is limited at this time, the clinical significance of this alteration remains unclear.

NM_018975.4(TERF2IP):c.379C>T (p.Pro127Ser)

Gene: TERF2IP (TERF2 interacting protein; plus strand). Cytogenetic location: 16q23.1.
Variant type: single nucleotide variant.
Coding change: c.379C>T on transcript NM_018975.4 (MANE Select); coding-DNA position 379, C replaced by T.
Protein change: p.Pro127Ser; replaces proline 127 with serine.
Molecular consequence: missense variant. On other transcripts: non-coding transcript variant (1).
Genome position (GRCh38, 1-based): chr16:75,648,261, C>T. VCF-style: chr16-75648261-C-T. GRCh37 (hg19) VCF-style: chr16-75682159-C-T.
Other names: short protein forms P127S.
Identifiers: ClinVar variation 1735016 (VCV001735016.4), dbSNP rs2507073929, ClinGen allele CA396817781.